The following is an entry in ClinVar:

NM_000059.4(BRCA2):c.7357G>A (p.Glu2453Lys)

Gene: BRCA2 (BRCA2 DNA repair associated; plus strand). Cytogenetic location: 13q13.1.
Variant type: single nucleotide variant.
Coding change: c.7357G>A on transcript NM_000059.4 (MANE Select); coding-DNA position 7357, G replaced by A.
Protein change: p.Glu2453Lys; replaces glutamic acid 2453 with lysine.
Molecular consequence: missense variant. On other transcripts: non-coding transcript variant (1).
Genome position (GRCh38, 1-based): chr13:32,355,210, G>A. VCF-style: chr13-32355210-G-A. GRCh37 (hg19) VCF-style: chr13-32929347-G-A.
Other names: c.7261G>A, p.Glu2421Lys (NM_001406719.1); c.7357G>A, p.Glu2453Lys (NM_001406720.1); c.2425G>A, p.Glu809Lys (NM_001406721.1); c.940G>A, p.Glu314Lys (NM_001406722.1); short protein forms E2421K, E809K, E2453K, E314K.
Identifiers: ClinVar variation 2825592 (VCV002825592.4), dbSNP rs2072683303, ClinGen allele CA387741425.

ClinVar aggregate classification (germline): Uncertain significance. Review status: criteria provided, multiple submitters, no conflicts (2 of 4 stars). 2 submissions from 2 submitters: Uncertain significance (2). Last evaluated 2025-04-14.

Conditions:
Hereditary breast ovarian cancer syndrome. Also called: Hereditary breast and/or ovarian cancer syndrome; Hereditary breast and ovarian cancer; Hereditary breast and ovarian cancer syndrome; Breast and ovarian cancer; Hereditary breast and ovarian cancer syndrome (HBOC); BRCA1- and BRCA2-Associated Hereditary Breast and Ovarian Cancer. Identifiers: Orphanet 145, MedGen C0677776, MeSH D061325, MONDO:0003582. Disease mechanism: loss of function.
Hereditary cancer-predisposing syndrome. Also called: Neoplastic Syndromes, Hereditary; Hereditary neoplastic syndrome; Tumor predisposition; Hereditary Cancer Syndrome. Identifiers: Orphanet 140162, MedGen C0027672, MeSH D009386, MONDO:0015356.

Allele frequency attached by ClinVar (database versions not stated): TOPMed below 0.00001.

Submissions (2):

Ambry Genetics
Classification: Uncertain significance for Hereditary cancer-predisposing syndrome. Last evaluated: 2025-04-14. Review status: criteria provided, single submitter. Criteria: Ambry Variant Classification Scheme 2023. Collection method: clinical testing. Allele origin: germline.
Comment: The p.E2453K variant (also known as c.7357G>A), located in coding exon 13 of the BRCA2 gene, results from a G to A substitution at nucleotide position 7357. The glutamic acid at codon 2453 is replaced by lysine, an amino acid with similar properties. This amino acid position is not well conserved in available vertebrate species. In addition, this alteration is predicted to be tolerated by in silico analysis. Based on the available evidence, the clinical significance of this variant remains unclear.

Labcorp Genetics (formerly Invitae), Labcorp
Classification: Uncertain significance for Hereditary breast ovarian cancer syndrome. Last evaluated: 2022-12-31. Review status: criteria provided, single submitter. Criteria: Invitae Variant Classification Sherloc (09022015). Collection method: clinical testing. Allele origin: germline.
Comment: This sequence change replaces glutamic acid, which is acidic and polar, with lysine, which is basic and polar, at codon 2453 of the BRCA2 protein (p.Glu2453Lys). This variant is not present in population databases (gnomAD no frequency). This variant has not been reported in the literature in individuals affected with BRCA2-related conditions. Advanced modeling of protein sequence and biophysical properties (such as structural, functional, and spatial information, amino acid conservation, physicochemical variation, residue mobility, and thermodynamic stability) performed at Invitae indicates that this missense variant is not expected to disrupt BRCA2 protein function. In summary, the available evidence is currently insufficient to determine the role of this variant in disease. Therefore, it has been classified as a Variant of Uncertain Significance.